The following is an entry in ClinVar:

NM_000166.6(GJB1):c.44G>A (p.Arg15Gln)

Gene: GJB1 (gap junction protein beta 1; plus strand). Cytogenetic location: Xq13.1.
Variant type: single nucleotide variant.
Coding change: c.44G>A on transcript NM_000166.6 (MANE Select); coding-DNA position 44, G replaced by A.
Protein change: p.Arg15Gln; replaces arginine 15 with glutamine.
Molecular consequence: missense variant.
Genome position (GRCh38, 1-based): chrX:71,223,751, G>A. VCF-style: chrX-71223751-G-A. GRCh37 (hg19) VCF-style: chrX-70443601-G-A.
Other names: c.44G>A, p.Arg15Gln (NM_001097642.3); short protein forms R15Q.
Identifiers: ClinVar variation 217169 (VCV000217169.20), dbSNP rs863224974, ClinGen allele CA279084.

ClinVar aggregate classification (germline): Pathogenic. Review status: criteria provided, multiple submitters, no conflicts (2 of 4 stars). 8 submissions from 8 submitters: Pathogenic (8). Last evaluated 2025-10-26.

Conditions:
GJB1-related disorder. Also called: GJB1-related condition; GJB1-related disorders.
Inborn genetic diseases. Identifiers: MedGen C0950123, MeSH D030342.
Charcot-Marie-Tooth Neuropathy X. Identifiers: MedGen CN118851.
Charcot-Marie-Tooth disease X-linked dominant 1. Also called: CHARCOT-MARIE-TOOTH NEUROPATHY, X-LINKED, 1; CHARCOT-MARIE-TOOTH PERONEAL MUSCULAR ATROPHY, X-LINKED; Charcot-Marie-Tooth Neuropathy X Type 1; X-linked Charcot-Marie-Tooth disease type 1; GJB1 Disorders: Charcot-Marie-Tooth Neuropathy (CMT1X) and Central Nervous System Phenotypes; HEREDITARY MOTOR AND SENSORY NEUROPATHY, X-LINKED. Identifiers: Orphanet 101075, MedGen C0393808, MONDO:0010549, OMIM 302800.

Allele frequency attached by ClinVar (database versions not stated): gnomAD exomes below 0.00001.
gnomAD v4.1: 1 of 1,210,267 alleles (0.000083%); highest among the groups gnomAD compares: Non-Finnish European, 0.00011%; no homozygotes.

Submissions (8):

Labcorp Genetics (formerly Invitae), Labcorp
Classification: Pathogenic for Charcot-Marie-Tooth Neuropathy X. Last evaluated: 2025-10-26. Review status: criteria provided, single submitter. Criteria: Invitae Variant Classification Sherloc (09022015). Collection method: clinical testing. Allele origin: germline.
Comment: This sequence change replaces arginine, which is basic and polar, with glutamine, which is neutral and polar, at codon 15 of the GJB1 protein (p.Arg15Gln). This variant is not present in population databases (gnomAD no frequency). This missense change has been observed in individuals with CMT (PMID: 8162049, 10586261, 11718056, 14706470, 15719046, 17353473, 18379723, 19062535, 22464564). It has also been observed to segregate with disease in related individuals. ClinVar contains an entry for this variant (Variation ID: 217169). Invitae Evidence Modeling of protein sequence and biophysical properties (such as structural, functional, and spatial information, amino acid conservation, physicochemical variation, residue mobility, and thermodynamic stability) has been performed for this missense variant. However, the output from this modeling did not meet the statistical confidence thresholds required to predict the impact of this variant on GJB1 protein function. Experimental studies have shown that this missense change affects GJB1 function (PMID: 9364054, 11325342, 15006706). This variant disrupts the p.Arg15 amino acid residue in GJB1. Other variant(s) that disrupt this residue have been determined to be pathogenic (PMID: 9328258, 10093067, 10639608, 11325342, 24078732). This suggests that this residue is clinically significant, and that variants that disrupt this residue are likely to be disease-causing. For these reasons, this variant has been classified as Pathogenic.

Human Genetics Bochum, Ruhr University Bochum
Classification: Pathogenic for Charcot-Marie-Tooth disease X-linked dominant 1. Last evaluated: 2023-07-27. Review status: criteria provided, single submitter. Criteria: ACMG Guidelines, 2015. Collection method: clinical testing. Allele origin: germline. Affected: yes.
Comment: ACMG criteria used to clasify this variant: PS3, PP3_STR, PM1, PM2_SUP

Genetics and Molecular Pathology, SA Pathology
Classification: Pathogenic for Charcot-Marie-Tooth disease X-linked dominant 1. Last evaluated: 2023-05-22. Review status: criteria provided, single submitter. Criteria: ACMG Guidelines, 2015. Collection method: clinical testing. Allele origin: germline. Inheritance: X-linked dominant inheritance. Affected: yes.
Comment: The GJB1 c.44G>A variant is classified a PATHOGENIC variant (PS4, PS3_moderate, PM2, PM5_supporting, PP3) The variant is a single nucleotide change in exon 2/2 of the GJB1 gene, which is predicted to change the amino acid arginine at position 15 in the protein to glutamine. The variant is in dbSNP (rs863224974) but is absent from population databases (PM2). The variant has been reported multiple times in unrelated individuals with clinical phenotype of CMT (PMID:8162049, 28286897, 32010055) (PS4). Functional studies have demonstrated that the variant has no effect on protein localization and channel formation but does show moderate effect on channel conductance (PMID: 9364054, 11325342, 15006706) (PS3_moderate). Other missense changes at the same amino acid residue have been previously reported and classified as pathogenic/ like pathogenic (i.e. p.R15W, p.R15P) (PM5_supporting). This variant has been reported in ClinVar (Variation ID: 217169) or HGMD (Accession no.: CM940828) as Pathogenic/ disease causing. Computational predictions support a deleterious effect on the gene or gene product (PP3).

GeneDx
Classification: Pathogenic. Last evaluated: 2022-10-21. Review status: criteria provided, single submitter. Criteria: GeneDx Variant Classification Process June 2021. Collection method: clinical testing. Allele origin: germline. Affected: yes.
Comment: Published functional studies demonstrate no affect on the expression and localization of the protein, but do show a moderate effect of the channel conductance (Shy et al., 2007; Deschenes et al., 1997; Abrams et al., 2001); The majority of missense variants in this gene are considered pathogenic; Not observed at significant frequency in large population cohorts (gnomAD); In silico analysis supports that this missense variant does not alter protein structure/function; This variant is associated with the following publications: (PMID: 9364054, 28448691, 19062535, 15006706, 28768847, 17353473, 11325342, 22159091, 10586261, 27098783, 28286897, 31827005, 32010055, 11718056, 32376792, 8162049)

Athena Diagnostics
Classification: Pathogenic. Last evaluated: 2022-07-11. Review status: criteria provided, single submitter. Criteria: Athena Diagnostics Criteria. Collection method: clinical testing. Allele origin: unknown.
Comment: This variant has been identified in multiple unrelated individuals with clinical features associated with this gene and appears to segregate with disease in at least one family. This variant has not been reported in large, multi-ethnic general populations. At least one other missense variant at this codon is considered to be pathogenic or likely pathogenic, suggesting this variant may also cause disease. Computational tools predict that this variant is damaging.

Ambry Genetics
Classification: Pathogenic for Inborn genetic diseases. Last evaluated: 2020-11-09. Review status: criteria provided, single submitter. Criteria: Ambry Variant Classification Scheme 2023. Collection method: clinical testing. Allele origin: germline.
Comment: The p.R15Q variant (also known as c.44G>A), located in coding exon 1 of the GJB1 gene, results from a G to A substitution at nucleotide position 44. The arginine at codon 15 is replaced by glutamine, an amino acid with highly similar properties. This variant has been frequently reported in individuals with features consistent with X-linked Charcot-Marie-Tooth disease type 1 and has been shown to co-segregate with disease (Capasso M et al. Clin Neurophysiol, 2004 Jan;115:64-70; Fairweather N et al. Hum Mol Genet, 1994 Jan;3:29-34; Sun B et al. Chin Med J (Engl), 2016 May;129:1011-6; Niu J et al. Front Neurol, 2019 Jan;10:1406). Functional studies of this variant have demonstrated proper protein localization and channel formation but some altered channel activity (Desch&ecirc;nes SM et al. J Neurosci, 1997 Dec;17:9077-84; Abrams CK et al. Brain Res, 2001 May;900:9-25; Wang HL et al. Neurobiol Dis, 2004 Mar;15:361-70). Another alteration at this position (p.R15W) has also been reported in multiple patients with features of Charcot-Marie-Tooth disease (Wicklein EM et al. J Neurol Neurosurg Psychiatry, 1997 Sep;63:379-81; Senderek J et al. J Neurol Sci, 1999 Aug;167:90-101). The p.R15Q (c.44G>A) variant was not reported in population-based cohorts in the Genome Aggregation Database (gnomAD). In addition, this alteration is predicted to be deleterious by in silico analysis. Based on the supporting evidence, this alteration is interpreted as a disease-causing mutation.

Blueprint Genetics
Classification: Pathogenic for GJB1-related disorders. Last evaluated: 2017-10-02. Review status: criteria provided, single submitter. Criteria: ACMG Guidelines, 2015. Collection method: clinical testing. Allele origin: germline. Affected: yes. Observed: 1 variant allele.

Juno Genomics, Hangzhou Juno Genomics, Inc
Classification: Pathogenic for Charcot-Marie-Tooth disease X-linked dominant 1. Review status: criteria provided, single submitter. Criteria: ACMG Guidelines, 2015. Collection method: clinical testing. Allele origin: germline. Affected: yes.
Comment: Absent from controls (or at extremely low frequency if recessive) in Genome Aggregation Database, Exome Sequencing Project, 1000 Genomes Project, or Exome Aggregation Consortium.;Novel missense change at an amino acid residue where a different missense change determined to be pathogenic has been seen before.;Well-established in vitro or in vivo functional studies supportive of a damaging effect on the gene or gene product.;The prevalence of the variant in affected individuals is significantly increased compared to the prevalence in controls.;Patient's phenotype or family history is highly specific for a disease with a single genetic etiology.

Literature cited by the submitters: PubMed 8162049 (cited by 4 submitters); PubMed 10586261 (cited by Labcorp Genetics (formerly Invitae), Labcorp and Athena Diagnostics); PubMed 11718056 (cited by Labcorp Genetics (formerly Invitae), Labcorp); PubMed 14706470 (cited by 3 submitters); PubMed 15719046 (cited by Labcorp Genetics (formerly Invitae), Labcorp and Athena Diagnostics); PubMed 17353473 (cited by Labcorp Genetics (formerly Invitae), Labcorp and Athena Diagnostics); PubMed 18379723 (cited by Labcorp Genetics (formerly Invitae), Labcorp and Athena Diagnostics); PubMed 19062535 (cited by Labcorp Genetics (formerly Invitae), Labcorp); PubMed 22464564 (cited by Labcorp Genetics (formerly Invitae), Labcorp and Athena Diagnostics); PubMed 9364054 (cited by 4 submitters); PubMed 11325342 (cited by 4 submitters); PubMed 15006706 (cited by 4 submitters); PubMed 9328258 (cited by Labcorp Genetics (formerly Invitae), Labcorp and Ambry Genetics); PubMed 10093067 (cited by Labcorp Genetics (formerly Invitae), Labcorp and Athena Diagnostics); PubMed 10639608 (cited by Labcorp Genetics (formerly Invitae), Labcorp); PubMed 24078732 (cited by Labcorp Genetics (formerly Invitae), Labcorp); PubMed 37284795 (cited by Human Genetics Bochum, Ruhr University Bochum); PubMed 28286897 (cited by Genetics and Molecular Pathology, SA Pathology and Athena Diagnostics); PubMed 32010055 (cited by 3 submitters); PubMed 32376792 (cited by Athena Diagnostics); PubMed 27098783 (cited by Athena Diagnostics and Ambry Genetics); PubMed 28768847 (cited by Athena Diagnostics); PubMed 10521546 (cited by Ambry Genetics).